The following is an entry in ClinVar:

NM_001128840.3(CACNA1D):c.6111A>G (p.Thr2037=)

Gene: CACNA1D (calcium voltage-gated channel subunit alpha1 D; plus strand). Cytogenetic location: 3p21.1.
Variant type: single nucleotide variant.
Coding change: c.6111A>G on transcript NM_001128840.3 (MANE Select); coding-DNA position 6111, A replaced by G.
Protein change: p.Thr2037=; no amino-acid change (threonine 2037 retained).
Molecular consequence: synonymous variant.
Genome position (GRCh38, 1-based): chr3:53,810,217, A>G. VCF-style: chr3-53810217-A-G. GRCh37 (hg19) VCF-style: chr3-53844244-A-G.
Other names: p.Thr2057=; c.6171A>G, p.Thr2057= (NM_000720.4); c.6039A>G, p.Thr2013= (NM_001128839.3).
Identifiers: ClinVar variation 504770 (VCV000504770.18), dbSNP rs76868547, ClinGen allele CA2455368.
Genomic context (GRCh38, chr3:53,810,217, plus strand): 5'-GTCCCTGCACCGCAGCTCCTGGTACACAGACGAGCCCGACATCTCCTACCGGACTTTCAC[A>G]CCAGCCAGCCTGACTGTCCCCAGCAGCTTCCGGAACAAAAACAGCGACAAGCAGAGGAGT-3'
Protein context (NP_001122312.1, residues 2027-2047): DEPDISYRTF[Thr2037=]PASLTVPSSF

ClinVar aggregate classification (germline): Benign. Review status: criteria provided, multiple submitters, no conflicts (2 of 4 stars). 5 submissions from 5 submitters: Benign (5). Last evaluated 2026-02-03.

Allele frequency attached by ClinVar (database versions not stated): gnomAD exomes 0.00072 and 0.00200; ExAC 0.00223; 1000 Genomes Project 0.00679; gnomAD 0.00711 and 0.00762; ESP Exome Variant Server 0.00730; TOPMed 0.00807; 1000 Genomes Project 30x 0.00812.
gnomAD v4.1: 2,171 of 1,613,860 alleles (0.13%); highest among the groups gnomAD compares: African/African-American, 2.4%; 29 homozygotes.

Submissions (5):

Labcorp Genetics (formerly Invitae), Labcorp
Classification: Benign. Last evaluated: 2026-02-03. Review status: criteria provided, single submitter. Criteria: Invitae Variant Classification Sherloc (09022015). Collection method: clinical testing. Allele origin: germline.

Mayo Clinic Laboratories, Mayo Clinic
Classification: Benign. Last evaluated: 2025-03-20. Review status: criteria provided, single submitter. Criteria: ACMG Guidelines, 2015. Collection method: clinical testing. Allele origin: germline. Observed: 4 variant alleles.
Comment: BA1, BP4, BP7

Genetic Services Laboratory, University of Chicago
Classification: Benign. Last evaluated: 2019-11-11. Review status: criteria provided, single submitter. Criteria: ACMG Guidelines, 2015. Collection method: clinical testing. Allele origin: germline. Affected: no.

GeneDx
Classification: Benign. Last evaluated: 2019-02-07. Review status: criteria provided, single submitter. Criteria: GeneDx Variant Classification Process June 2021. Collection method: clinical testing. Allele origin: germline. Affected: yes.

Laboratory for Molecular Medicine, Mass General Brigham Personalized Medicine
Classification: Benign. Last evaluated: 2014-11-24. Review status: criteria provided, single submitter. Criteria: LMM Criteria. Collection method: clinical testing. Allele origin: germline. Observed: 7 variant alleles.
Comment: Thr2057Thr in exon 48 of CACNA1D: This variant is not expected to have clinical significance because it does not alter an amino acid residue and is not located within the splice consensus sequence. It has been identified in 2.1% (94/4406) o f African American chromosomes from a broad population by the NHLBI Exome Sequen cing Project (dbSNP rs76868547).